The following is an entry in ClinVar:

NM_000038.6(APC):c.1349T>G (p.Val450Gly)

Gene: APC (APC regulator of Wnt signaling pathway; plus strand). Cytogenetic location: 5q22.2.
Variant type: single nucleotide variant.
Coding change: c.1349T>G on transcript NM_000038.6 (MANE Select); coding-DNA position 1349, T replaced by G.
Protein change: p.Val450Gly; replaces valine 450 with glycine.
Molecular consequence: missense variant.
Genome position (GRCh38, 1-based): chr5:112,821,932, T>G. VCF-style: chr5-112821932-T-G. GRCh37 (hg19) VCF-style: chr5-112157629-T-G.
Other names: c.1349T>G, p.Val450Gly (NM_001127510.3, NM_001354895.2, NM_001354896.2); c.1295T>G, p.Val432Gly (NM_001127511.3); c.1379T>G, p.Val460Gly (NM_001354897.2); c.1274T>G, p.Val425Gly (NM_001354898.2); c.1265T>G, p.Val422Gly (NM_001354899.2); c.1172T>G, p.Val391Gly (NM_001354900.2, NM_001354901.2); c.1076T>G, p.Val359Gly (NM_001354902.2); c.1046T>G, p.Val349Gly (NM_001354903.2); and 3 more; short protein forms V167G, V290G, V324G, V349G, V359G, V391G, V422G, V425G.
Identifiers: ClinVar variation 1692142 (VCV001692142.3), dbSNP rs764175850, ClinGen allele CA027234.

ClinVar aggregate classification (germline): Uncertain significance. Review status: criteria provided, multiple submitters, no conflicts (2 of 4 stars). 2 submissions from 2 submitters: Uncertain significance (2). Last evaluated 2024-06-13.

Conditions:
Hereditary cancer-predisposing syndrome. Also called: Hereditary Cancer Syndrome; Hereditary neoplastic syndrome; Neoplastic Syndromes, Hereditary; Tumor predisposition. Identifiers: Orphanet 140162, MedGen C0027672, MeSH D009386, MONDO:0015356.
Familial adenomatous polyposis 1 (FAP1). Also called: FAMILIAL ADENOMATOUS POLYPOSIS 1, ATTENUATED; POLYPOSIS, ADENOMATOUS INTESTINAL. Identifiers: MedGen C2713442, MONDO:0021056, OMIM 175100. Disease mechanism: loss of function.

Allele frequency attached by ClinVar (database versions not stated): gnomAD exomes below 0.00001; ExAC 0.00001.
gnomAD v4.1: 2 of 1,613,490 alleles (0.00012%); highest among the groups gnomAD compares: Non-Finnish European, 0.000085%; no homozygotes.

Submissions (2):

Labcorp Genetics (formerly Invitae), Labcorp
Classification: Uncertain significance for Familial adenomatous polyposis 1. Last evaluated: 2024-06-13. Review status: criteria provided, single submitter. Criteria: Invitae Variant Classification Sherloc (09022015). Collection method: clinical testing. Allele origin: germline.
Comment: This sequence change replaces valine, which is neutral and non-polar, with glycine, which is neutral and non-polar, at codon 450 of the APC protein (p.Val450Gly). This variant is present in population databases (rs764175850, gnomAD 0.0009%). This variant has not been reported in the literature in individuals affected with APC-related conditions. ClinVar contains an entry for this variant (Variation ID: 1692142). Advanced modeling of protein sequence and biophysical properties (such as structural, functional, and spatial information, amino acid conservation, physicochemical variation, residue mobility, and thermodynamic stability) performed at Invitae indicates that this missense variant is not expected to disrupt APC protein function with a negative predictive value of 95%. In summary, the available evidence is currently insufficient to determine the role of this variant in disease. Therefore, it has been classified as a Variant of Uncertain Significance.

Sema4
Classification: Uncertain significance for Hereditary cancer-predisposing syndrome. Last evaluated: 2022-03-09. Review status: criteria provided, single submitter. Criteria: Sema4 Curation Guidelines. Collection method: curation. Allele origin: germline.
Comment: The APC c.1349T>G (p.V450G) variant has not been reported in the literature to our knowledge. It was observed in 1/113236 chromosomes of the Non-Finnish European (NFE) subpopulation in the large and broad cohorts of the Genome Aggregation Database (PMID: 32461654). This variant has been reported in ClinVar (Variation ID 217928). Functional studies have not been performed, and in silico predictions of the variant's effect on protein function are inconclusive. The evidence is insufficient to meet ACMG/AMP criteria for classifying the variant as benign or pathogenic. Thus, the clinical significance of this variant is currently uncertain.